The following is an entry in ClinVar:

ClinVar aggregate classification (germline): Uncertain significance. Review status: criteria provided, single submitter (1 of 4 stars). 3 submissions from 3 submitters: Uncertain significance (1). 2 of the submissions do not count toward it. Last evaluated 2026-01-01.

Conditions:
Bleeding disorder, platelet-type, 13, susceptibility to (BDPLT13). Also called: BLEEDING DISORDER, SUSCEPTIBILITY TO, DUE TO DEFECTIVE PLATELET THROMBOXANE A2 RECEPTOR. Identifiers: MedGen C3279614, MONDO:0800447, OMIM 614009.
TBXA2R-related disorder. Also called: TBXA2R-related condition.

Allele frequency attached by ClinVar (database versions not stated): 1000 Genomes Project 30x 0.00016; 1000 Genomes Project 0.00020; ESP Exome Variant Server 0.00031; ExAC 0.00043; gnomAD 0.00059; TOPMed 0.00084.

Submissions (3):

Labcorp Genetics (formerly Invitae), Labcorp
Classification: Uncertain significance. Last evaluated: 2026-01-01. Review status: criteria provided, single submitter. Criteria: Invitae Variant Classification Sherloc (09022015). Collection method: clinical testing. Allele origin: germline.
Comment: This sequence change replaces phenylalanine, which is neutral and non-polar, with leucine, which is neutral and non-polar, at codon 66 of the TBXA2R protein (p.Phe66Leu). This variant is present in population databases (rs201977565, gnomAD 0.07%), and has an allele count higher than expected for a pathogenic variant. This variant has not been reported in the literature in individuals affected with TBXA2R-related conditions. ClinVar contains an entry for this variant (Variation ID: 2050485). Invitae Evidence Modeling of protein sequence and biophysical properties (such as structural, functional, and spatial information, amino acid conservation, physicochemical variation, residue mobility, and thermodynamic stability) indicates that this missense variant is not expected to disrupt TBXA2R protein function with a negative predictive value of 80%. In summary, the available evidence is currently insufficient to determine the role of this variant in disease. Therefore, it has been classified as a Variant of Uncertain Significance.

PreventionGenetics, part of Exact Sciences
Classification: Likely benign for TBXA2R-related condition. Last evaluated: 2024-08-05. Review status: no assertion criteria provided. Collection method: clinical testing. Allele origin: germline. Not counted in ClinVar's aggregate classification.
Comment: This variant is classified as likely benign based on ACMG/AMP sequence variant interpretation guidelines (Richards et al. 2015 PMID: 25741868, with internal and published modifications).

Zotz-Klimas Genetics Lab, MVZ Zotz Klimas
Classification: Uncertain significance for Bleeding disorder, platelet-type, 13, susceptibility to. Last evaluated: 2023-10-30. Review status: no assertion criteria provided. Collection method: clinical testing. Allele origin: germline. Affected: yes. Not counted in ClinVar's aggregate classification.

NM_001060.6(TBXA2R):c.198C>G (p.Phe66Leu)

Gene: TBXA2R (thromboxane A2 receptor; minus strand). Cytogenetic location: 19p13.3.
Variant type: single nucleotide variant.
Coding change: c.198C>G on transcript NM_001060.6 (MANE Select); coding-DNA position 198, C replaced by G.
Protein change: p.Phe66Leu; replaces phenylalanine 66 with leucine.
Molecular consequence: missense variant.
Genome position (GRCh38, 1-based): chr19:3,600,437, G>C on the plus strand (C>G on the coding strand, the complement: TBXA2R is on the minus strand). VCF-style: chr19-3600437-G-C. GRCh37 (hg19) VCF-style: chr19-3600435-G-C.
Other names: c.198C>G, p.Phe66Leu (NM_201636.3); c.198C>G (NM_201636.2); short protein forms F66L.
Identifiers: ClinVar variation 2050485 (VCV002050485.6), dbSNP rs201977565, ClinGen allele CA9080905.
Genomic context (GRCh38, chr19:3,600,437, plus strand): 5'-CACCACGATGGTACCGGTCACCAGCAGCCCCAGGAAGTCGGTGAGGACGAGGCCGCAGAG[G>C]AAGGTGAGGAAGGAGGAGCGCGTGTGCGAACCCCCCTGCCGCGCGCCCGCCAGCACGCTC-3'
Protein context (NP_001051.1, residues 56-76): GSHTRSSFLT[Phe66Leu]LCGLVLTDFL